The following is an entry in ClinVar:

ClinVar aggregate classification (germline): Pathogenic (1 of 4 stars; one submission).

Submission:

Labcorp Genetics (formerly Invitae), Labcorp
Classification: Pathogenic. Last evaluated: 2023-09-12. Review status: criteria provided, single submitter. Criteria: Invitae Variant Classification Sherloc (09022015). Collection method: clinical testing. Allele origin: germline.
Comment: For these reasons, this variant has been classified as Pathogenic. This variant has not been reported in the literature in individuals affected with CNGB1-related conditions. This variant is a gross deletion of the genomic region encompassing exon(s) 18-29 of the CNGB1 gene. This deletion is out-of-frame, and is expected to create a premature termination codon and result in an absent or disrupted protein product. Loss-of-function variants in CNGB1 are known to be pathogenic (PMID: 15557452, 24043777).

Literature cited by the submitters: PubMed 15557452; PubMed 24043777.

NC_000016.9:g.(?_57935236)_(57957304_?)del

Gene: CNGB1 (cyclic nucleotide gated channel subunit beta 1; minus strand). Cytogenetic location: 16q21.
Variant type: Deletion.
Identifiers: ClinVar variation 2424120 (VCV002424120.4).